The following is an entry in ClinVar:

NM_001099274.3(TINF2):c.896T>G (p.Val299Gly)

Gene: TINF2 (TERF1 interacting nuclear factor 2; minus strand). Cytogenetic location: 14q12.
Variant type: single nucleotide variant.
Coding change: c.896T>G on transcript NM_001099274.3 (MANE Select); coding-DNA position 896, T replaced by G.
Protein change: p.Val299Gly; replaces valine 299 with glycine.
Molecular consequence: missense variant.
Genome position (GRCh38, 1-based): chr14:24,240,584, A>C on the plus strand (T>G on the coding strand, the complement: TINF2 is on the minus strand). VCF-style: chr14-24240584-A-C. GRCh37 (hg19) VCF-style: chr14-24709790-A-C.
Other names: c.791T>G, p.Val264Gly (NM_001363668.2); c.896T>G, p.Val299Gly (NM_012461.3); short protein forms V299G, V264G.
Identifiers: ClinVar variation 437005 (VCV000437005.9), dbSNP rs1050040349, ClinGen allele CA389225029.

ClinVar aggregate classification (germline): Uncertain significance. Review status: criteria provided, multiple submitters, no conflicts (2 of 4 stars). 2 submissions from 2 submitters: Uncertain significance (2). Last evaluated 2022-02-02.

Conditions:
Dyskeratosis congenita, autosomal dominant 3. Identifiers: MedGen C3151445, MONDO:0013522, OMIM 613990.

Allele frequency attached by ClinVar (database versions not stated): gnomAD exomes below 0.00001.
gnomAD v4.1: 2 of 1,614,068 alleles (0.00012%); highest among the groups gnomAD compares: South Asian, 0.0022%; no homozygotes.

Submissions (2):

Victorian Clinical Genetics Services, Murdoch Childrens Research Institute
Classification: Uncertain significance for Dyskeratosis congenita, autosomal dominant 3. Last evaluated: 2022-02-02. Review status: criteria provided, single submitter. Criteria: ACMG Guidelines, 2015. Collection method: clinical testing. Allele origin: germline. Inheritance: Autosomal dominant inheritance.
Comment: Based on the classification scheme VCGS_Germline_v1.3.4, this variant is classified as VUS-3C. Following criteria are met: 0105 - The mechanism of disease for this gene is not clearly established. (I) 0107 - This gene is associated with autosomal dominant disease. (I) 0200 - Variant is predicted to result in a missense amino acid change from valine to glycine. (I) 0251 - This variant is heterozygous. (I) 0301 - Variant is absent from gnomAD (both v2 and v3). (SP) 0504 - Same amino acid change has been observed in placental mammals. (SB) 0600 - Variant is located in the annotated TRF-binding motif (NCBI). (I) 0710 - Another missense variant comparable to the one identified in this case has inconclusive previous evidence for pathogenicity. The alternative change to an alanine has been reported once as VUS (ClinVar). (I) 0804 - This variant has previously been described once as a VUS despite being absent in the general population (ClinVar). (I) 0905 - No published segregation evidence has been identified for this variant. (I) 1007 - No published functional evidence has been identified for this variant. (I) 1208 - Inheritance information for this variant is not currently available in this individual. (I) Legend: (SP) - Supporting pathogenic, (I) - Information, (SB) - Supporting benign

Genetic Services Laboratory, University of Chicago
Classification: Uncertain significance. Last evaluated: 2015-11-10. Review status: criteria provided, single submitter. Criteria: ACMG Guidelines, 2015. Collection method: clinical testing. Allele origin: germline. Affected: no.